The following is an entry in ClinVar:

ClinVar aggregate classification (germline): Likely benign (1 of 4 stars; one submission).

Allele frequency attached by ClinVar (database versions not stated): gnomAD exomes below 0.00001; gnomAD 0.00001.

Submission:

CeGaT Center for Human Genetics Tuebingen
Classification: Likely benign. Last evaluated: 2023-12-01. Review status: criteria provided, single submitter. Criteria: CeGaT Center For Human Genetics Tuebingen Variant Classification Criteria Version 2. Collection method: clinical testing. Allele origin: germline. Affected: yes. Observed: 1 variant allele.
Comment: BCORL1: BP4, BP7

NM_001379451.1(BCORL1):c.4068A>G (p.Lys1356=)

Gene: BCORL1 (BCL6 corepressor like 1; plus strand). Cytogenetic location: Xq26.1.
Variant type: single nucleotide variant.
Coding change: c.4068A>G on transcript NM_001379451.1 (MANE Select); coding-DNA position 4068, A replaced by G.
Protein change: p.Lys1356=; no amino-acid change (lysine 1356 retained).
Molecular consequence: synonymous variant.
Genome position (GRCh38, 1-based): chrX:130,025,369, A>G. VCF-style: chrX-130025369-A-G. GRCh37 (hg19) VCF-style: chrX-129159344-A-G.
Other names: c.4068A>G, p.Lys1356= (NM_001184772.3, NM_001379450.1, NM_021946.5).
Identifiers: ClinVar variation 3026597 (VCV003026597.22), dbSNP rs1930180551, ClinGen allele CA518833878.
Genomic context (GRCh38, chrX:130,025,369, plus strand): 5'-GAGCCGAAAATATCAGACTGGGGAGTACCTGACAGAGCAAGAAGACGAGCAGCGGCGGAA[A>G]GGGAGAGCAGGTAAGGCTGGCCAGGGGCTCTGCTGTCGCCGCGGCCCGTTTGGCTTCTGG-3'
Protein context (NP_001366380.1, residues 1346-1366): LTEQEDEQRR[Lys1356=]GRADLKARKQ